The following is an entry in ClinVar:

ClinVar aggregate classification (germline): Pathogenic (1 of 4 stars; one submission).

Conditions:
Hereditary cancer-predisposing syndrome. Also called: Tumor predisposition; Hereditary neoplastic syndrome; Neoplastic Syndromes, Hereditary; Hereditary Cancer Syndrome. Identifiers: Orphanet 140162, MedGen C0027672, MeSH D009386, MONDO:0015356.

Submission:

Ambry Genetics
Classification: Pathogenic for Hereditary cancer-predisposing syndrome. Last evaluated: 2025-03-18. Review status: criteria provided, single submitter. Criteria: Ambry Variant Classification Scheme 2023. Collection method: clinical testing. Allele origin: germline.
Comment: The p.E3167* variant (also known as c.9499G>T), located in coding exon 24 of the BRCA2 gene, results from a G to T substitution at nucleotide position 9499. This changes the amino acid from a glutamic acid to a stop codon within coding exon 24. This variant was identified in a patient with prostate cancer (Annala M et al. Eur Urol . 2017 Jul;72(1):34-42). This variant is considered to be rare based on population cohorts in the Genome Aggregation Database (gnomAD). A saturation genome editing-based study using a haploid cell-survival assay demonstrates that this nucleotide substitution is non-functional (Huang H et al. Nature. 2025 Feb;638(8050):528-537). This alteration is expected to result in loss of function by premature protein truncation or nonsense-mediated mRNA decay. As such, this alteration is interpreted as a disease-causing mutation.

Literature cited by the submitters: PubMed 28259476; PubMed 39779857.

NM_000059.4(BRCA2):c.9499G>T (p.Glu3167Ter)

Gene: BRCA2 (BRCA2 DNA repair associated; plus strand). Cytogenetic location: 13q13.1.
Variant type: single nucleotide variant.
Coding change: c.9499G>T on transcript NM_000059.4 (MANE Select); coding-DNA position 9499, G replaced by T.
Protein change: p.Glu3167Ter; replaces glutamic acid 3167 with a stop codon.
Molecular consequence: nonsense. On other transcripts: non-coding transcript variant (1).
Genome position (GRCh38, 1-based): chr13:32,394,931, G>T. VCF-style: chr13-32394931-G-T. GRCh37 (hg19) VCF-style: chr13-32969068-G-T.
Other names: c.9403G>T, p.Glu3135Ter (NM_001406719.1); c.9448G>T, p.Glu3150Ter (NM_001406720.1); c.4567G>T, p.Glu1523Ter (NM_001406721.1); c.3082G>T, p.Glu1028Ter (NM_001406722.1); c.9499G>T, p.Glu3167Ter (NM_001432077.1); short protein forms E3135*, E3150*, E3167*, E1523*, E1028*.
Identifiers: ClinVar variation 3992743 (VCV003992743.1).